The following is an entry in ClinVar:

ClinVar aggregate classification (germline): other (0 of 4 stars; one submission).

Conditions:
Familial colorectal cancer. Identifiers: MedGen CN280943, MONDO:0023113. Disease mechanism: loss of function.

Submission:

Systems Biology Platform Zhejiang California International NanoSystems Institute
Classification: other for Familial colorectal cancer. Review status: no assertion criteria provided. Collection method: not provided. Allele origin: unknown.
ClinVar note: Converted during submission from cancer to other.

NM_000038.6(APC):c.834+5293C>A

Gene: APC (APC regulator of WNT signaling pathway; plus strand). Cytogenetic location: 5q22.2.
Variant type: single nucleotide variant.
Coding change: c.834+5293C>A on transcript NM_000038.6 (MANE Select); 5293 bases into the intron after coding-DNA position 834, C replaced by A.
Molecular consequence: intron variant.
Genome position (GRCh38, 1-based): chr5:112,806,676, C>A. VCF-style: chr5-112806676-C-A. GRCh37 (hg19) VCF-style: chr5-112142373-C-A.
Other names: c.834+5293C>A (NM_001354895.2, NM_001127510.3, NM_001354896.2 and 1 more transcripts); c.864+5293C>A (NM_001354897.2, NM_001354902.2); c.780+5293C>A (NM_001127511.3); c.759+5293C>A (NM_001354898.2, NM_001354904.2); c.-201-3450C>A (NM_001354906.2); c.750+5293C>A (NM_001354899.2); c.657+5293C>A (NM_001354900.2, NM_001354901.2, NM_001354905.2).
Identifiers: ClinVar variation 83066 (VCV000083066.2), dbSNP rs79737175, ClinGen allele CA014895.